The following is an entry in ClinVar:

ClinVar aggregate classification (germline): Uncertain significance (1 of 4 stars; one submission).

Conditions:
Dilated cardiomyopathy 1W (CMD1W). Identifiers: Orphanet 154, MedGen C1969639, MONDO:0012667, OMIM 611407.

Allele frequency attached by ClinVar (database versions not stated): TOPMed below 0.00001; ExAC 0.00001; gnomAD exomes 0.00001.
gnomAD v4.1: 4 of 1,614,190 alleles (0.00025%); highest among the groups gnomAD compares: Non-Finnish European, 0.00025%; no homozygotes.

Submission:

Labcorp Genetics (formerly Invitae), Labcorp
Classification: Uncertain significance for Dilated cardiomyopathy 1W. Last evaluated: 2025-05-11. Review status: criteria provided, single submitter. Criteria: Invitae Variant Classification Sherloc (09022015). Collection method: clinical testing. Allele origin: germline.
Comment: This sequence change replaces methionine, which is neutral and non-polar, with valine, which is neutral and non-polar, at codon 945 of the VCL protein (p.Met945Val). This variant is present in population databases (rs773050457, gnomAD 0.002%). This variant has not been reported in the literature in individuals affected with VCL-related conditions. ClinVar contains an entry for this variant (Variation ID: 1432711). An algorithm developed to predict the effect of missense changes on protein structure and function (PolyPhen-2) suggests that this variant is likely to be tolerated. In summary, the available evidence is currently insufficient to determine the role of this variant in disease. Therefore, it has been classified as a Variant of Uncertain Significance.

NM_014000.3(VCL):c.2833A>G (p.Met945Val)

Gene: VCL (vinculin; plus strand). Cytogenetic location: 10q22.2.
Variant type: single nucleotide variant.
Coding change: c.2833A>G on transcript NM_014000.3 (MANE Select); coding-DNA position 2833, A replaced by G.
Protein change: p.Met945Val; replaces methionine 945 with valine.
Molecular consequence: missense variant. On other transcripts: intron variant (1).
Genome position (GRCh38, 1-based): chr10:74,111,996, A>G. VCF-style: chr10-74111996-A-G. GRCh37 (hg19) VCF-style: chr10-75871754-A-G.
Other names: c.2746-2188A>G (NM_003373.4); short protein forms M945V.
Identifiers: ClinVar variation 1432711 (VCV001432711.6), dbSNP rs773050457, ClinGen allele CA5563319.